The following is an entry in ClinVar:

NM_001130438.3(SPTAN1):c.1461+3A>G

Gene: SPTAN1 (spectrin alpha, non-erythrocytic 1; plus strand). Cytogenetic location: 9q34.11.
Variant type: single nucleotide variant.
Coding change: c.1461+3A>G on transcript NM_001130438.3 (MANE Select); 3 bases into the intron after coding-DNA position 1461, A replaced by G.
Molecular consequence: intron variant.
Genome position (GRCh38, 1-based): chr9:128,581,062, A>G. VCF-style: chr9-128581062-A-G. GRCh37 (hg19) VCF-style: chr9-131343341-A-G.
Other names: c.1497+3A>G (NM_001375318.1, NM_001375312.2); c.1461+3A>G (NM_001375311.2, NM_001375314.2, NM_001375310.1 and 5 more transcripts).
Identifiers: ClinVar variation 2195979 (VCV002195979.4), dbSNP rs754916401, ClinGen allele CA5264390.

ClinVar aggregate classification (germline): Uncertain significance (1 of 4 stars; one submission).

Conditions:
Early-infantile DEE. Also called: Early infantile epileptic encephalopathy; Ohtahara syndrome; Early infantile epileptic encephalopathy with suppression bursts. Identifiers: Orphanet 1934, MedGen C0393706, MONDO:0800491.

Allele frequency attached by ClinVar (database versions not stated): TOPMed below 0.00001; gnomAD 0.00001; ExAC 0.00002; gnomAD exomes 0.00002.
gnomAD v4.1: 36 of 1,613,852 alleles (0.0022%); highest among the groups gnomAD compares: Non-Finnish European, 0.0031%; no homozygotes.

Submission:

Labcorp Genetics (formerly Invitae), Labcorp
Classification: Uncertain significance for Early-infantile DEE. Last evaluated: 2025-07-27. Review status: criteria provided, single submitter. Criteria: Invitae Variant Classification Sherloc (09022015). Collection method: clinical testing. Allele origin: germline.
Comment: This sequence change falls in intron 11 of the SPTAN1 gene. It does not directly change the encoded amino acid sequence of the SPTAN1 protein. It affects a nucleotide within the consensus splice site. This variant is present in population databases (rs754916401, gnomAD 0.003%). This variant has not been reported in the literature in individuals affected with SPTAN1-related conditions. ClinVar contains an entry for this variant (Variation ID: 2195979). Variants that disrupt the consensus splice site are a relatively common cause of aberrant splicing (PMID: 17576681, 9536098). Algorithms developed to predict the effect of sequence changes on RNA splicing suggest that this variant may disrupt the consensus splice site. In summary, the available evidence is currently insufficient to determine the role of this variant in disease. Therefore, it has been classified as a Variant of Uncertain Significance.

Literature cited by the submitters: PubMed 17576681; PubMed 9536098.